The following is an entry in ClinVar:

ClinVar aggregate classification (germline): Uncertain significance (1 of 4 stars; one submission).

Submission:

CeGaT Center for Human Genetics Tuebingen
Classification: Uncertain significance. Last evaluated: 2023-11-01. Review status: criteria provided, single submitter. Criteria: CeGaT Center For Human Genetics Tuebingen Variant Classification Criteria Version 2. Collection method: clinical testing. Allele origin: germline. Affected: yes. Observed: 1 variant allele.
Comment: HIVEP2: PM2, BP4

NM_006734.4(HIVEP2):c.1985C>G (p.Ser662Cys)

Gene: HIVEP2 (HIVEP zinc finger 2; minus strand). Cytogenetic location: 6q24.2.
Variant type: single nucleotide variant.
Coding change: c.1985C>G on transcript NM_006734.4 (MANE Select); coding-DNA position 1985, C replaced by G.
Protein change: p.Ser662Cys; replaces serine 662 with cysteine.
Molecular consequence: missense variant.
Genome position (GRCh38, 1-based): chr6:142,772,754, G>C on the plus strand (C>G on the coding strand, the complement: HIVEP2 is on the minus strand). VCF-style: chr6-142772754-G-C. GRCh37 (hg19) VCF-style: chr6-143093891-G-C.
Other names: short protein forms S662C.
Identifiers: ClinVar variation 2673082 (VCV002673082.23), dbSNP rs1775584665, ClinGen allele CA365911665.